The following is an entry in ClinVar:

NM_001105206.3(LAMA4):c.5117T>C (p.Ile1706Thr)

Gene: LAMA4 (laminin subunit alpha 4; minus strand). Cytogenetic location: 6q21.
Variant type: single nucleotide variant.
Coding change: c.5117T>C on transcript NM_001105206.3 (MANE Select); coding-DNA position 5117, T replaced by C.
Protein change: p.Ile1706Thr; replaces isoleucine 1706 with threonine.
Molecular consequence: missense variant.
Genome position (GRCh38, 1-based): chr6:112,114,752, A>G on the plus strand (T>C on the coding strand, the complement: LAMA4 is on the minus strand). VCF-style: chr6-112114752-A-G. GRCh37 (hg19) VCF-style: chr6-112435955-A-G.
Other names: c.5096T>C, p.Ile1699Thr (NM_001105207.3, NM_002290.5); short protein forms I1699T, I1706T.
Identifiers: ClinVar variation 2061585 (VCV002061585.7), dbSNP rs1318946132, ClinGen allele CA365365033.

ClinVar aggregate classification (germline): Uncertain significance. Review status: criteria provided, multiple submitters, no conflicts (2 of 4 stars). 2 submissions from 2 submitters: Uncertain significance (2). Last evaluated 2025-08-12.

Conditions:
Dilated cardiomyopathy 1JJ (CMD1JJ). Identifiers: Orphanet 154, MedGen C3808935, MONDO:0014095, OMIM 615235.
Cardiovascular phenotype. Identifiers: MedGen CN230736.

Allele frequency attached by ClinVar (database versions not stated): gnomAD exomes 0.00001; TOPMed 0.00001; gnomAD 0.00002.
gnomAD v4.1: 13 of 1,601,050 alleles (0.00081%); highest among the groups gnomAD compares: Middle Eastern, 0.017%; no homozygotes.

Submissions (2):

Ambry Genetics
Classification: Uncertain significance for Cardiovascular phenotype. Last evaluated: 2025-08-12. Review status: criteria provided, single submitter. Criteria: Ambry Variant Classification Scheme 2023. Collection method: clinical testing. Allele origin: germline.

Labcorp Genetics (formerly Invitae), Labcorp
Classification: Uncertain significance for Dilated cardiomyopathy 1JJ. Last evaluated: 2023-12-30. Review status: criteria provided, single submitter. Criteria: Invitae Variant Classification Sherloc (09022015). Collection method: clinical testing. Allele origin: germline.
Comment: This sequence change replaces isoleucine, which is neutral and non-polar, with threonine, which is neutral and polar, at codon 1699 of the LAMA4 protein (p.Ile1699Thr). This variant is present in population databases (no rsID available, gnomAD 0.003%). This variant has not been reported in the literature in individuals affected with LAMA4-related conditions. ClinVar contains an entry for this variant (Variation ID: 2061585). Algorithms developed to predict the effect of missense changes on protein structure and function output the following: SIFT: "Not Available"; PolyPhen-2: "Benign"; Align-GVGD: "Not Available". The threonine amino acid residue is found in multiple mammalian species, which suggests that this missense change does not adversely affect protein function. In summary, the available evidence is currently insufficient to determine the role of this variant in disease. Therefore, it has been classified as a Variant of Uncertain Significance.